The following is an entry in ClinVar:

ClinVar aggregate classification (germline): Uncertain significance (1 of 4 stars; one submission).

Conditions:
Familial encephalopathy with neuroserpin inclusion bodies. Also called: ENCEPHALOPATHY, FAMILIAL, WITH COLLINS BODIES. Identifiers: Orphanet 85110, MedGen C1858680, MONDO:0011412, OMIM 604218.

Allele frequency attached by ClinVar (database versions not stated): gnomAD exomes 0.00001; TOPMed 0.00002; gnomAD 0.00003.
gnomAD v4.1: 19 of 1,612,488 alleles (0.0012%); highest among the groups gnomAD compares: Non-Finnish European, 0.0015%; no homozygotes.

Submission:

Labcorp Genetics (formerly Invitae), Labcorp
Classification: Uncertain significance for Familial encephalopathy with neuroserpin inclusion bodies. Last evaluated: 2025-11-09. Review status: criteria provided, single submitter. Criteria: Invitae Variant Classification Sherloc (09022015). Collection method: clinical testing. Allele origin: germline.
Comment: This sequence change replaces methionine, which is neutral and non-polar, with isoleucine, which is neutral and non-polar, at codon 391 of the SERPINI1 protein (p.Met391Ile). This variant is present in population databases (no rsID available, gnomAD 0.007%). This variant has not been reported in the literature in individuals affected with SERPINI1-related conditions. ClinVar contains an entry for this variant (Variation ID: 640101). Invitae Evidence Modeling of protein sequence and biophysical properties (such as structural, functional, and spatial information, amino acid conservation, physicochemical variation, residue mobility, and thermodynamic stability) indicates that this missense variant is not expected to disrupt SERPINI1 protein function with a negative predictive value of 80%. Algorithms developed to predict the effect of sequence changes on RNA splicing suggest that this variant may disrupt the consensus splice site. In summary, the available evidence is currently insufficient to determine the role of this variant in disease. Therefore, it has been classified as a Variant of Uncertain Significance.

NM_001122752.2(SERPINI1):c.1173G>A (p.Met391Ile)

Gene: SERPINI1 (serpin family I member 1; plus strand). Cytogenetic location: 3q26.1.
Variant type: single nucleotide variant.
Coding change: c.1173G>A on transcript NM_001122752.2 (MANE Select); coding-DNA position 1173, G replaced by A.
Protein change: p.Met391Ile; replaces methionine 391 with isoleucine.
Molecular consequence: missense variant.
Genome position (GRCh38, 1-based): chr3:167,825,263, G>A. VCF-style: chr3-167825263-G-A. GRCh37 (hg19) VCF-style: chr3-167543051-G-A.
Other names: c.1173G>A, p.Met391Ile (NM_005025.5); short protein forms M391I.
Identifiers: ClinVar variation 640101 (VCV000640101.8), dbSNP rs1370761997, ClinGen allele CA355158038.
Genomic context (GRCh38, chr3:167,825,263, plus strand): 5'-TATTTTGTTCACCCCCTCTTTTGTTTACTTCTGAACCAATACAGGTACAATTCTATTCAT[G>A]GGACGAGTCATGCATCCTGAAACAATGAACACAAGTGGACATGATTTCGAAGAACTTTAA-3'
Protein context (NP_001116224.1, residues 381-401): RNRRTGTILF[Met391Ile]GRVMHPETMN